The following is an entry in ClinVar:

ClinVar aggregate classification (germline): Uncertain significance (1 of 4 stars; one submission).

gnomAD v4.1: 8 of 1,614,152 alleles (0.0005%); highest among the groups gnomAD compares: Admixed American, 0.0017%; no homozygotes.

Submission:

Ambry Genetics
Classification: Uncertain significance. Last evaluated: 2026-05-26. Review status: criteria provided, single submitter. Criteria: Ambry Variant Classification Scheme 2023. Collection method: clinical testing. Allele origin: germline.
Comment: The c.1787A>C (p.N596T) alteration is located in exon 14 (coding exon 14) of the SPTA1 gene. This alteration results from a A to C substitution at nucleotide position 1787, causing the asparagine (N) at amino acid position 596 to be replaced by a threonine (T). Based on data from gnomAD, the C allele has an overall frequency of <0.001% (1/249390) total alleles studied. The highest observed frequency was 0.003% (1/34520) of Latino alleles. Based on insufficient or conflicting evidence, the clinical significance of this alteration remains unclear.

NM_003126.4(SPTA1):c.1787A>C (p.Asn596Thr)

Gene: SPTA1 (spectrin alpha, erythrocytic 1; minus strand). Cytogenetic location: 1q23.1.
Variant type: single nucleotide variant.
Coding change: c.1787A>C on transcript NM_003126.4 (MANE Select); coding-DNA position 1787, A replaced by C.
Protein change: p.Asn596Thr; replaces asparagine 596 with threonine.
Molecular consequence: missense variant.
Genome position (GRCh38, 1-based): chr1:158,669,454, T>G on the plus strand (A>C on the coding strand, the complement: SPTA1 is on the minus strand). VCF-style: chr1-158669454-T-G. GRCh37 (hg19) VCF-style: chr1-158639244-T-G.
Other names: short protein forms N596T.
Identifiers: ClinVar variation 4865057 (VCV004865057.1).